The following is an entry in ClinVar:

NM_000276.4(OCRL):c.1336A>G (p.Arg446Gly)

Gene: OCRL (OCRL inositol polyphosphate-5-phosphatase; plus strand). Cytogenetic location: Xq26.1.
Variant type: single nucleotide variant.
Coding change: c.1336A>G on transcript NM_000276.4 (MANE Select); coding-DNA position 1336, A replaced by G.
Protein change: p.Arg446Gly; replaces arginine 446 with glycine.
Molecular consequence: missense variant.
Genome position (GRCh38, 1-based): chrX:129,565,863, A>G. VCF-style: chrX-129565863-A-G. GRCh37 (hg19) VCF-style: chrX-128699840-A-G.
Other names: c.1339A>G, p.Arg447Gly (NM_001318784.2); c.1336A>G, p.Arg446Gly (NM_001587.4); short protein forms R446G, R447G.
Identifiers: ClinVar variation 1117415 (VCV001117415.11), dbSNP rs771429717, ClinGen allele CA10512166.

ClinVar aggregate classification (germline): Conflicting classifications of pathogenicity. Review status: criteria provided, conflicting classifications (1 of 4 stars). 2 submissions from 2 submitters: Uncertain significance (1); Likely benign (1). Last evaluated 2025-07-22.

Conditions:
Nephrolithiasis/nephrocalcinosis. Identifiers: MedGen CN580796.
Lowe syndrome (OCRL). Also called: LOWE OCULOCEREBRORENAL SYNDROME; PHOSPHATIDYLINOSITOL 4,5-BISPHOSPHATE 5-PHOSPHATASE DEFICIENCY; Oculocerebrorenal Syndrome. Identifiers: Orphanet 534, MedGen C0028860, MONDO:0010645, OMIM 309000.

Allele frequency attached by ClinVar (database versions not stated): gnomAD exomes below 0.00001 and 0.00002; TOPMed below 0.00001; ExAC 0.00001.

Submissions (2):

Labcorp Genetics (formerly Invitae), Labcorp
Classification: Likely benign for Lowe syndrome. Last evaluated: 2025-07-22. Review status: criteria provided, single submitter. Criteria: Invitae Variant Classification Sherloc (09022015). Collection method: clinical testing. Allele origin: germline.

Ambry Genetics
Classification: Uncertain significance for Nephrolithiasis/nephrocalcinosis. Last evaluated: 2017-10-12. Review status: criteria provided, single submitter. Criteria: Ambry Variant Classification Scheme 2023. Collection method: clinical testing. Allele origin: germline.
Comment: The p.R446G variant (also known as c.1336A>G), located in coding exon 13 of the OCRL gene, results from an A to G substitution at nucleotide position 1336. The arginine at codon 446 is replaced by glycine, an amino acid with dissimilar properties. This amino acid position is not well conserved in available vertebrate species. In addition, the in silico prediction for this alteration is inconclusive. Since supporting evidence is limited at this time, the clinical significance of this alteration remains unclear.